The following is an entry in ClinVar:

ClinVar aggregate classification (germline): Likely benign. Review status: criteria provided, multiple submitters, no conflicts (2 of 4 stars). 3 submissions from 3 submitters: Likely benign (3). Last evaluated 2025-09-20.

Conditions:
Hereditary cancer-predisposing syndrome. Also called: Hereditary neoplastic syndrome; Neoplastic Syndromes, Hereditary; Tumor predisposition; Hereditary Cancer Syndrome. Identifiers: Orphanet 140162, MedGen C0027672, MeSH D009386, MONDO:0015356.
Familial cancer of breast. Also called: Hereditary breast cancer; BREAST CANCER, FAMILIAL; hereditary breast carcinoma. Identifiers: Orphanet 227535, MedGen C0346153, MONDO:0016419, OMIM 114480. Disease mechanism: loss of function.

Allele frequency attached by ClinVar (database versions not stated): gnomAD exomes below 0.00001.
gnomAD v4.1: 3 of 1,593,920 alleles (0.00019%); highest among the groups gnomAD compares: African/African-American, 0.0013%; no homozygotes.

Submissions (3):

Labcorp Genetics (formerly Invitae), Labcorp
Classification: Likely benign for Familial cancer of breast. Last evaluated: 2025-09-20. Review status: criteria provided, single submitter. Criteria: Invitae Variant Classification Sherloc (09022015). Collection method: clinical testing. Allele origin: germline.

Myriad Genetics, Inc.
Classification: Likely benign for Familial cancer of breast. Last evaluated: 2024-07-25. Review status: criteria provided, single submitter. Criteria: Myriad Autosomal Dominant, Autosomal Recessive and X-Linked Classification Criteria (2023). Collection method: clinical testing. Allele origin: unknown.
Comment: This variant is considered likely benign. This variant is intronic and is not expected to impact mRNA splicing.

Color Diagnostics, LLC DBA Color Health
Classification: Likely benign for Hereditary cancer-predisposing syndrome. Last evaluated: 2022-05-10. Review status: criteria provided, single submitter. Criteria: ACMG Guidelines, 2015. Collection method: clinical testing. Allele origin: germline.

NM_000465.4(BARD1):c.1569-14A>G

Gene: BARD1 (BRCA1 associated RING domain 1; minus strand). Cytogenetic location: 2q35.
Variant type: single nucleotide variant.
Coding change: c.1569-14A>G on transcript NM_000465.4 (MANE Select); 14 bases into the intron before coding-DNA position 1569, A replaced by G.
Molecular consequence: intron variant.
Genome position (GRCh38, 1-based): chr2:214,752,569, T>C on the plus strand (A>G on the coding strand, the complement: BARD1 is on the minus strand). VCF-style: chr2-214752569-T-C. GRCh37 (hg19) VCF-style: chr2-215617293-T-C.
Other names: c.159-14A>G (NM_001282548.2); c.1512-14A>G (NM_001282543.2); c.216-14A>G (NM_001282545.2); c.365-22061A>G (NM_001282549.2).
Identifiers: ClinVar variation 1664422 (VCV001664422.12), dbSNP rs2106039216, ClinGen allele CA2519435188.